The following is an entry in ClinVar:

ClinVar aggregate classification (germline): Conflicting classifications of pathogenicity. Review status: criteria provided, conflicting classifications (1 of 4 stars). 2 submissions from 2 submitters: Likely pathogenic (1); Uncertain significance (1). Last evaluated 2025-01-15.

Conditions:
Hypertrophic cardiomyopathy. Also called: HYPERTROPHIC MYOCARDIOPATHY. Identifiers: Orphanet 217569, MedGen C0007194, MeSH D002312, MONDO:0005045, HP:0001639.

Submissions (2):

Labcorp Genetics (formerly Invitae), Labcorp
Classification: Likely pathogenic for Hypertrophic cardiomyopathy. Last evaluated: 2025-01-15. Review status: criteria provided, single submitter. Criteria: Invitae Variant Classification Sherloc (09022015). Collection method: clinical testing. Allele origin: germline.
Comment: This sequence change replaces glutamic acid, which is acidic and polar, with glycine, which is neutral and non-polar, at codon 903 of the MYH7 protein (p.Glu903Gly). This variant is not present in population databases (gnomAD no frequency). This missense change has been observed in individual(s) with hypertrophic cardiomyopathy (PMID: 18403758). ClinVar contains an entry for this variant (Variation ID: 177656). Invitae Evidence Modeling of protein sequence and biophysical properties (such as structural, functional, and spatial information, amino acid conservation, physicochemical variation, residue mobility, and thermodynamic stability) indicates that this missense variant is expected to disrupt MYH7 protein function with a positive predictive value of 95%. This variant disrupts the p.Glu903 amino acid residue in MYH7. Other variant(s) that disrupt this residue have been determined to be pathogenic (PMID: 19808356, 25524337, 34555931). This suggests that this residue is clinically significant, and that variants that disrupt this residue are likely to be disease-causing. In summary, the currently available evidence indicates that the variant is pathogenic, but additional data are needed to prove that conclusively. Therefore, this variant has been classified as Likely Pathogenic.

Laboratory for Molecular Medicine, Mass General Brigham Personalized Medicine
Classification: Uncertain significance. Last evaluated: 2019-06-21. Review status: criteria provided, single submitter. Criteria: LMM Criteria. Collection method: clinical testing. Allele origin: germline. Observed: 2 variant alleles.
Comment: Variant classified as Uncertain Significance - Favor Pathogenic. It was absent from large population studies. Of note, this variant lies in the head region of the protein. Missense variants in this region have been reported and statistically indicated to be more likely to cause disease (Walsh 2016). Computational prediction tools and conservation analyses suggest that this variant may impact the protein, though this information is not predictive enough to determine pathogenicity. In summary, while there is some suspicion for a pathogenic role, the clinical significance of this variant is uncertain. ACMG/AMP Criteria applied: PM1, PM2, PP3.

Literature cited by the submitters: PubMed 18403758 (cited by Labcorp Genetics (formerly Invitae), Labcorp and Laboratory for Molecular Medicine, Mass General Brigham Personalized Medicine); PubMed 19808356 (cited by Labcorp Genetics (formerly Invitae), Labcorp); PubMed 25524337 (cited by Labcorp Genetics (formerly Invitae), Labcorp); PubMed 34555931 (cited by Labcorp Genetics (formerly Invitae), Labcorp); PubMed 27532257 (cited by Laboratory for Molecular Medicine, Mass General Brigham Personalized Medicine).

NM_000257.4(MYH7):c.2708A>G (p.Glu903Gly)

Gene: MYH7 (myosin heavy chain 7; minus strand). Cytogenetic location: 14q11.2.
Variant type: single nucleotide variant.
Coding change: c.2708A>G on transcript NM_000257.4 (MANE Select); coding-DNA position 2708, A replaced by G.
Protein change: p.Glu903Gly; replaces glutamic acid 903 with glycine.
Molecular consequence: missense variant.
Genome position (GRCh38, 1-based): chr14:23,424,121, T>C on the plus strand (A>G on the coding strand, the complement: MYH7 is on the minus strand). VCF-style: chr14-23424121-T-C. GRCh37 (hg19) VCF-style: chr14-23893330-T-C.
Other names: short protein forms E903G.
Identifiers: ClinVar variation 177656 (VCV000177656.14), dbSNP rs727504261, ClinGen allele CA012900.
Genomic context (GRCh38, chr14:23,424,121, plus strand): 5'-TTCATCTCCTTCACCTTGGCCTCCAGCTGAATCTTGTTTTTGATCAGCTGATCACAGCGC[T>C]CCTCAGCATCTGCCAGGTTGTCTTGTTCCTGAAGGTGAGGAACAGAGGGGAGGCTGTTCA-3'
Protein context (NP_000248.2, residues 893-913): AEQDNLADAE[Glu903Gly]RCDQLIKNKI